The following is an entry in ClinVar:

ClinVar aggregate classification (germline): Likely benign (1 of 4 stars; one submission).

Conditions:
MELAS syndrome (MELAS). Also called: Juvenile myopathy, encephalopathy, lactic acidosis, stroke. Identifiers: Orphanet 550, MedGen C0162671, MONDO:0010789, OMIM 540000.

Submission:

Wong Mito Lab, Molecular and Human Genetics, Baylor College of Medicine
Classification: Likely benign for MELAS syndrome. Last evaluated: 2019-07-12. Review status: criteria provided, single submitter. Criteria: Modified ACMG Guidelines (Unpublished). Collection method: clinical testing. Allele origin: germline.
Comment: The NC_012920.1:m.5786dupT variant in MT-TC gene is interpreted to be a Likely Benign variant based on the modified ACMG guidelines (unpublished). This variant meets the following evidence codes reported in the guidelines: BS4, BP6

Literature cited by the submitters: PubMed 31965079.

NC_012920.1(MT-TC):m.5786dup

Gene: MT-TC (mitochondrially encoded tRNA cysteine; minus strand).
Variant type: Duplication.
Genome position: chrM-5784-C-CT.
Identifiers: ClinVar variation 689990 (VCV000689990.1), dbSNP rs1603220115, ClinGen allele CA915952210.